The following is an entry in ClinVar:

ClinVar aggregate classification (germline): Uncertain significance (1 of 4 stars; one submission).

Conditions:
PCNT-related disorder. Also called: PCNT-related condition.

Submission:

PreventionGenetics, part of Exact Sciences
Classification: Uncertain significance for PCNT-related condition. Last evaluated: 2026-06-06. Review status: criteria provided, single submitter. Criteria: ACMG Guidelines, 2015. Collection method: clinical testing. Allele origin: germline.
Comment: The PCNT c.3812T>C variant is predicted to result in the amino acid substitution p.Met1271Thr. To our knowledge, this variant has not been reported in the literature or in a large population database (gnomAD), indicating this variant is rare. At this time, the clinical significance of this variant is uncertain due to the absence of conclusive functional and genetic evidence.

NM_006031.6(PCNT):c.3812T>C (p.Met1271Thr)

Gene: PCNT (pericentrin; plus strand). Cytogenetic location: 21q22.3.
Variant type: single nucleotide variant.
Coding change: c.3812T>C on transcript NM_006031.6 (MANE Select); coding-DNA position 3812, T replaced by C.
Protein change: p.Met1271Thr; replaces methionine 1271 with threonine.
Molecular consequence: missense variant.
Genome position (GRCh38, 1-based): chr21:46,389,403, T>C. VCF-style: chr21-46389403-T-C. GRCh37 (hg19) VCF-style: chr21-47809318-T-C.
Other names: c.3458T>C, p.Met1153Thr (NM_001315529.2); short protein forms M1153T, M1271T.
Identifiers: ClinVar variation 4994350 (VCV004994350.1).